The following is an entry in ClinVar:

NM_001382391.1(CSPP1):c.2777G>A (p.Arg926His)

Gene: CSPP1 (centrosome and spindle pole associated protein 1; plus strand). Cytogenetic location: 8q13.2.
Variant type: single nucleotide variant.
Coding change: c.2777G>A on transcript NM_001382391.1 (MANE Select); coding-DNA position 2777, G replaced by A.
Protein change: p.Arg926His; replaces arginine 926 with histidine.
Molecular consequence: missense variant.
Genome position (GRCh38, 1-based): chr8:67,164,457, G>A. VCF-style: chr8-67164457-G-A. GRCh37 (hg19) VCF-style: chr8-68076692-G-A.
Other names: c.1727G>A, p.Arg576His (NM_001291339.2); c.2696G>A, p.Arg899His (NM_001363131.2); c.2582G>A, p.Arg861His (NM_001363132.2); c.2501G>A, p.Arg834His (NM_001363133.2); c.2843G>A, p.Arg948His (NM_001364869.1); c.2663G>A, p.Arg888His (NM_001364870.1); c.2762G>A, p.Arg921His (NM_024790.7); short protein forms R888H, R834H, R921H, R576H, R861H, R926H, R899H, R948H.
Identifiers: ClinVar variation 1435136 (VCV001435136.3), dbSNP rs775629891, ClinGen allele CA4770941.

ClinVar aggregate classification (germline): Uncertain significance (1 of 4 stars; one submission).

Conditions:
Joubert syndrome 21 (JBTS21). Identifiers: MedGen C3810212, MONDO:0014288, OMIM 615636.

Allele frequency attached by ClinVar (database versions not stated): gnomAD exomes 0.00001 and 0.00003; gnomAD 0.00002; ExAC 0.00003; TOPMed 0.00003.
gnomAD v4.1: 16 of 1,606,484 alleles (0.001%); highest among the groups gnomAD compares: Admixed American, 0.01%; no homozygotes.

Submission:

Labcorp Genetics (formerly Invitae), Labcorp
Classification: Uncertain significance for Joubert syndrome 21. Last evaluated: 2022-04-14. Review status: criteria provided, single submitter. Criteria: Invitae Variant Classification Sherloc (09022015). Collection method: clinical testing. Allele origin: germline.
Comment: This sequence change replaces arginine, which is basic and polar, with histidine, which is basic and polar, at codon 921 of the CSPP1 protein (p.Arg921His). This variant is present in population databases (rs775629891, gnomAD 0.01%). This variant has not been reported in the literature in individuals affected with CSPP1-related conditions. Algorithms developed to predict the effect of missense changes on protein structure and function are either unavailable or do not agree on the potential impact of this missense change (SIFT: "Deleterious"; PolyPhen-2: "Probably Damaging"; Align-GVGD: "Class C0"). In summary, the available evidence is currently insufficient to determine the role of this variant in disease. Therefore, it has been classified as a Variant of Uncertain Significance.